The following is an entry in ClinVar:

NM_001330260.2(SCN8A):c.2168G>C (p.Trp723Ser)

Gene: SCN8A (sodium voltage-gated channel alpha subunit 8; plus strand). Cytogenetic location: 12q13.13.
Variant type: single nucleotide variant.
Coding change: c.2168G>C on transcript NM_001330260.2 (MANE Select); coding-DNA position 2168, G replaced by C.
Protein change: p.Trp723Ser; replaces tryptophan 723 with serine.
Molecular consequence: missense variant.
Genome position (GRCh38, 1-based): chr12:51,751,391, G>C. VCF-style: chr12-51751391-G-C. GRCh37 (hg19) VCF-style: chr12-52145175-G-C.
Other names: c.2168G>C, p.Trp723Ser (NM_001177984.3, NM_001369788.1, NM_014191.4); short protein forms W723S.
Identifiers: ClinVar variation 3897524 (VCV003897524.1).

ClinVar aggregate classification (germline): Uncertain significance (1 of 4 stars; one submission).

Submission:

GeneDx
Classification: Uncertain significance. Last evaluated: 2024-11-03. Review status: criteria provided, single submitter. Criteria: GeneDx Variant Classification Process June 2021. Collection method: clinical testing. Allele origin: germline. Affected: yes.
Comment: Not observed at significant frequency in large population cohorts (gnomAD); In silico analysis supports that this missense variant has a deleterious effect on protein structure/function; Has not been previously published as pathogenic or benign to our knowledge; This substitution is predicted to be within the cytoplasmic loop between the first and second homologous domains